The following is an entry in ClinVar:

NM_024642.5(GALNT12):c.1195A>C (p.Asn399His)

Gene: GALNT12 (polypeptide N-acetylgalactosaminyltransferase 12; plus strand). Cytogenetic location: 9q22.33.
Variant type: single nucleotide variant.
Coding change: c.1195A>C on transcript NM_024642.5 (MANE Select); coding-DNA position 1195, A replaced by C.
Protein change: p.Asn399His; replaces asparagine 399 with histidine.
Molecular consequence: missense variant.
Genome position (GRCh38, 1-based): chr9:98,837,131, A>C. VCF-style: chr9-98837131-A-C. GRCh37 (hg19) VCF-style: chr9-101599413-A-C.
Other names: short protein forms N399H.
Identifiers: ClinVar variation 4670630 (VCV004670630.1).

ClinVar aggregate classification (germline): Uncertain significance (1 of 4 stars; one submission).

Submission:

Ambry Genetics
Classification: Uncertain significance. Last evaluated: 2025-11-11. Review status: criteria provided, single submitter. Criteria: Ambry Variant Classification Scheme 2023. Collection method: clinical testing. Allele origin: germline.
Comment: The p.N399H variant (also known as c.1195A>C), located in coding exon 6 of the GALNT12 gene, results from an A to C substitution at nucleotide position 1195. The asparagine at codon 399 is replaced by histidine, an amino acid with similar properties. This amino acid position is conserved. In addition, the in silico prediction for this alteration is inconclusive. Based on the available evidence, the clinical significance of this variant remains unclear.